The following is an entry in ClinVar:

ClinVar aggregate classification (germline): Uncertain significance (1 of 4 stars; one submission).

Conditions:
Hereditary spastic paraplegia 4. Also called: Spastic paraplegia 4, autosomal dominant; Familial spastic paraplegia autosomal dominant 2; Spastic Paraplegia 4. Identifiers: Orphanet 100985, MedGen C1866855, MONDO:0008438, OMIM 182601.

Submission:

Labcorp Genetics (formerly Invitae), Labcorp
Classification: Uncertain significance for Hereditary spastic paraplegia 4. Last evaluated: 2017-09-21. Review status: criteria provided, single submitter. Criteria: Invitae Variant Classification Sherloc (09022015). Collection method: clinical testing. Allele origin: germline.
Comment: In summary, the available evidence is currently insufficient to determine the role of this variant in disease. Therefore, it has been classified as a Variant of Uncertain Significance. This sequence change replaces arginine with tryptophan at codon 488 of the SPAST protein (p.Arg488Trp). The arginine residue is highly conserved and there is a moderate physicochemical difference between arginine and tryptophan. This variant is not present in population databases (ExAC no frequency). This variant has not been reported in the literature in individuals with SPAST-related disease. Algorithms developed to predict the effect of missense changes on protein structure and function do not agree on the potential impact of this missense change (SIFT: "Deleterious"; PolyPhen-2: "Probably Damaging"; Align-GVGD: "Class C0").

NM_014946.4(SPAST):c.1462A>T (p.Arg488Trp)

Gene: SPAST (spastin; plus strand). Cytogenetic location: 2p22.3.
Variant type: single nucleotide variant.
Coding change: c.1462A>T on transcript NM_014946.4 (MANE Select); coding-DNA position 1462, A replaced by T.
Protein change: p.Arg488Trp; replaces arginine 488 with tryptophan.
Molecular consequence: missense variant.
Genome position (GRCh38, 1-based): chr2:32,137,157, A>T. VCF-style: chr2-32137157-A-T. GRCh37 (hg19) VCF-style: chr2-32362226-A-T.
Other names: c.1459A>T, p.Arg487Trp (NM_001363823.2); c.1363A>T, p.Arg455Trp (NM_001363875.2); c.1366A>T, p.Arg456Trp (NM_001377959.1, NM_199436.2); short protein forms R488W, R455W, R456W, R487W.
Identifiers: ClinVar variation 536444 (VCV000536444.9), dbSNP rs1553318329, ClinGen allele CA346502482.
Genomic context (GRCh38, chr2:32,137,157, plus strand): 5'-TTTTGCTTGTAGGTACAGTCTGCTGGAGATGACAGAGTACTTGTAATGGGTGCAACTAAT[A>T]GGCCACAAGAGCTTGATGAGGCTGTTCTCAGGTAGGGAGATTTATATGGAAATACATGCA-3'
Protein context (NP_055761.2, residues 478-498): DRVLVMGATN[Arg488Trp]PQELDEAVLR